The following is an entry in ClinVar:

ClinVar aggregate classification (germline): Uncertain significance. Review status: criteria provided, multiple submitters, no conflicts (2 of 4 stars). 4 submissions from 4 submitters: Uncertain significance (4). Last evaluated 2026-08-25.

Conditions:
MFN2-related disorder. Also called: MFN2-related disorders; MFN2-related condition.
Charcot-Marie-Tooth disease type 2. Also called: Charcot-Marie-Tooth type 2. Identifiers: Orphanet 64746, MedGen C0270914, MONDO:0018993.

Allele frequency attached by ClinVar (database versions not stated): gnomAD 0.00001; gnomAD exomes 0.00001; TOPMed 0.00005.
gnomAD v4.1: 22 of 1,614,090 alleles (0.0014%); highest among the groups gnomAD compares: Admixed American, 0.0033%; no homozygotes.

Submissions (4):

PreventionGenetics, part of Exact Sciences
Classification: Uncertain significance for MFN2-related condition. Last evaluated: 2026-08-25. Review status: criteria provided, single submitter. Criteria: ACMG Guidelines, 2015. Collection method: clinical testing. Allele origin: germline.
Comment: The MFN2 c.982G>A variant is predicted to result in the amino acid substitution p.Ala328Thr. To our knowledge, this variant has not been reported in the literature or in a large population database (gnomAD), indicating this variant is rare. At this time, the clinical significance of this variant is uncertain due to the absence of conclusive functional and genetic evidence.

Labcorp Genetics (formerly Invitae), Labcorp
Classification: Uncertain significance for Charcot-Marie-Tooth disease type 2. Last evaluated: 2025-07-28. Review status: criteria provided, single submitter. Criteria: Invitae Variant Classification Sherloc (09022015). Collection method: clinical testing. Allele origin: germline.
Comment: This sequence change replaces alanine, which is neutral and non-polar, with threonine, which is neutral and polar, at codon 328 of the MFN2 protein (p.Ala328Thr). This variant is not present in population databases (gnomAD no frequency). This variant has not been reported in the literature in individuals affected with MFN2-related conditions. ClinVar contains an entry for this variant (Variation ID: 1019543). Invitae Evidence Modeling of protein sequence and biophysical properties (such as structural, functional, and spatial information, amino acid conservation, physicochemical variation, residue mobility, and thermodynamic stability) has been performed for this missense variant. However, the output from this modeling did not meet the statistical confidence thresholds required to predict the impact of this variant on MFN2 protein function. In summary, the available evidence is currently insufficient to determine the role of this variant in disease. Therefore, it has been classified as a Variant of Uncertain Significance.

Athena Diagnostics
Classification: Uncertain significance. Last evaluated: 2024-02-14. Review status: criteria provided, single submitter. Criteria: Athena Diagnostics Criteria. Collection method: clinical testing. Allele origin: unknown.
Comment: Available data are insufficient to determine the clinical significance of the variant at this time. This variant has not been reported in large, multi-ethnic general populations. Computational tools predict that this variant is damaging. The variant is located in a region that is considered important for protein function and/or structure.

GeneDx
Classification: Uncertain significance. Last evaluated: 2019-05-30. Review status: criteria provided, single submitter. Criteria: GeneDx Variant Classification Process June 2021. Collection method: clinical testing. Allele origin: germline. Affected: yes.
Comment: Not observed in large population cohorts (Lek et al., 2016); In silico analysis, which includes protein predictors and evolutionary conservation, supports that this variant does not alter protein structure/function; Has not been previously published as pathogenic or benign to our knowledge

NM_014874.4(MFN2):c.982G>A (p.Ala328Thr)

Gene: MFN2 (mitofusin 2; plus strand). Cytogenetic location: 1p36.22.
Variant type: single nucleotide variant.
Coding change: c.982G>A on transcript NM_014874.4 (MANE Select); coding-DNA position 982, G replaced by A.
Protein change: p.Ala328Thr; replaces alanine 328 with threonine.
Molecular consequence: missense variant.
Genome position (GRCh38, 1-based): chr1:12,001,780, G>A. VCF-style: chr1-12001780-G-A. GRCh37 (hg19) VCF-style: chr1-12061837-G-A.
Other names: c.982G>A, p.Ala328Thr (NM_001127660.2); short protein forms A328T.
Identifiers: ClinVar variation 1019543 (VCV001019543.10), dbSNP rs771900151, ClinGen allele CA18010145.